The following is an entry in ClinVar:

NM_001042681.2(RERE):c.2496G>A (p.Ser832=)

Gene: RERE (arginine-glutamic acid dipeptide repeats; minus strand). Cytogenetic location: 1p36.23.
Variant type: single nucleotide variant.
Coding change: c.2496G>A on transcript NM_001042681.2 (MANE Select); coding-DNA position 2496, G replaced by A.
Protein change: p.Ser832=; no amino-acid change (serine 832 retained).
Molecular consequence: synonymous variant.
Genome position (GRCh38, 1-based): chr1:8,361,011, C>T on the plus strand (G>A on the coding strand, the complement: RERE is on the minus strand). VCF-style: chr1-8361011-C-T. GRCh37 (hg19) VCF-style: chr1-8421071-C-T.
Other names: c.834G>A, p.Ser278= (NM_001042682.2); c.2496G>A, p.Ser832= (NM_012102.4); c.2496G>A (NM_012102.3).
Identifiers: ClinVar variation 3025377 (VCV003025377.24), dbSNP rs372539432, ClinGen allele CA571351.

ClinVar aggregate classification (germline): Likely benign. Review status: criteria provided, multiple submitters, no conflicts (2 of 4 stars). 3 submissions from 3 submitters: Likely benign (2). 1 of the submissions does not count toward it. Last evaluated 2026-09-01.

Conditions:
RERE-related disorder. Also called: RERE-Related Disorders; RERE-related condition. Identifiers: MedGen CN381537.

Allele frequency attached by ClinVar (database versions not stated): ESP Exome Variant Server 0.00028; gnomAD 0.00032; TOPMed 0.00036.
gnomAD v4.1: 534 of 1,434,060 alleles (0.037%); highest among the groups gnomAD compares: Middle Eastern, 0.039%; no homozygotes.

Submissions (3):

CeGaT Center for Human Genetics Tuebingen
Classification: Likely benign. Last evaluated: 2026-09-01. Review status: criteria provided, single submitter. Criteria: CeGaT Center For Human Genetics Tuebingen Variant Classification Criteria Version 2. Collection method: clinical testing. Allele origin: germline. Affected: yes. Observed: 4 variant alleles.
Comment: RERE: BP4, BP7

Blueprint Genetics
Classification: Likely benign. Last evaluated: 2024-11-22. Review status: criteria provided, single submitter. Criteria: ACMG Guidelines, 2015. Collection method: clinical testing. Allele origin: germline.

PreventionGenetics, part of Exact Sciences
Classification: Likely benign for RERE-related condition. Last evaluated: 2024-01-22. Review status: no assertion criteria provided. Collection method: clinical testing. Allele origin: germline. Not counted in ClinVar's aggregate classification.
Comment: This variant is classified as likely benign based on ACMG/AMP sequence variant interpretation guidelines (Richards et al. 2015 PMID: 25741868, with internal and published modifications).